The following is an entry in ClinVar:

ClinVar aggregate classification (germline): Likely benign. Review status: criteria provided, multiple submitters, no conflicts (2 of 4 stars). 4 submissions from 3 submitters: Likely benign (4). Last evaluated 2025-11-15.

Conditions:
Developmental and epileptic encephalopathy, 14 (DEE14). Also called: Early infantile epileptic encephalopathy 14. Identifiers: Orphanet 293181, MedGen C3554195, MONDO:0013989, OMIM 614959.
Autosomal dominant nocturnal frontal lobe epilepsy 5. Also called: Epilepsy, nocturnal frontal lobe, 5; KCNT1-Related Epilepsy; CILIARY DYSKINESIA, PRIMARY, 28, WITHOUT SITUS INVERSUS; CILIARY DYSKINESIA, PRIMARY, 28, WITH SITUS INVERSUS. Identifiers: Orphanet 98784, MedGen C3554306, MONDO:0014002, OMIM 615005.

Allele frequency attached by ClinVar (database versions not stated): gnomAD 0.00001 and below 0.00001; TOPMed 0.00001; gnomAD exomes below 0.00001.
gnomAD v4.1: 8 of 1,613,940 alleles (0.0005%); highest among the groups gnomAD compares: South Asian, 0.0022%; no homozygotes.

Submissions (4):

Labcorp Genetics (formerly Invitae), Labcorp
Classification: Likely benign for Autosomal dominant nocturnal frontal lobe epilepsy 5; Developmental and epileptic encephalopathy, 14. Last evaluated: 2025-11-15. Review status: criteria provided, single submitter. Criteria: Invitae Variant Classification Sherloc (09022015). Collection method: clinical testing. Allele origin: germline.

Genome-Nilou Lab
Classification: Likely benign for Developmental and epileptic encephalopathy, 14. Last evaluated: 2022-03-15. Review status: criteria provided, single submitter. Criteria: ACMG Guidelines, 2015. Collection method: clinical testing. Allele origin: germline. Affected: no.

Genome-Nilou Lab
Classification: Likely benign for Autosomal dominant nocturnal frontal lobe epilepsy 5. Last evaluated: 2022-03-15. Review status: criteria provided, single submitter. Criteria: ACMG Guidelines, 2015. Collection method: clinical testing. Allele origin: germline. Affected: no.

GeneDx
Classification: Likely benign. Last evaluated: 2018-05-23. Review status: criteria provided, single submitter. Criteria: GeneDx Variant Classification (06012015). Collection method: clinical testing. Allele origin: germline. Affected: yes.
Comment: This variant is considered likely benign or benign based on one or more of the following criteria: it is a conservative change, it occurs at a poorly conserved position in the protein, it is predicted to be benign by multiple in silico algorithms, and/or has population frequency not consistent with disease.

NM_020822.3(KCNT1):c.2451C>T (p.Phe817=)

Gene: KCNT1 (potassium sodium-activated channel subfamily T member 1; plus strand). Cytogenetic location: 9q34.3.
Variant type: single nucleotide variant.
Coding change: c.2451C>T on transcript NM_020822.3 (MANE Select); coding-DNA position 2451, C replaced by T.
Protein change: p.Phe817=; no amino-acid change (phenylalanine 817 retained).
Molecular consequence: synonymous variant.
Genome position (GRCh38, 1-based): chr9:135,777,439, C>T. VCF-style: chr9-135777439-C-T. GRCh37 (hg19) VCF-style: chr9-138669285-C-T.
Other names: c.2316C>T, p.Phe772= (NM_001272003.2).
Identifiers: ClinVar variation 540592 (VCV000540592.11), dbSNP rs942926305, ClinGen allele CA201480191.
Genomic context (GRCh38, chr9:135,777,439, plus strand): 5'-GTTCAAGAACAAGCTGATCATCGTCTCGGCAGAGACGGCCGGCAATGGGCTGTACAACTT[C>T]ATCGTGCCACTGCGGGCCTACTACAGATCCCGCAAGGAGCTGAACCCCATCGTGCTGCTG-3'
Protein context (NP_065873.2, residues 807-827): AETAGNGLYN[Phe817=]IVPLRAYYRS